The following is an entry in ClinVar:

NM_004364.5(CEBPA):c.394G>C (p.Gly132Arg)

Gene: CEBPA (CCAAT enhancer binding protein alpha; minus strand). Cytogenetic location: 19q13.11.
Variant type: single nucleotide variant.
Coding change: c.394G>C on transcript NM_004364.5 (MANE Select); coding-DNA position 394, G replaced by C.
Protein change: p.Gly132Arg; replaces glycine 132 with arginine.
Molecular consequence: missense variant.
Genome position (GRCh38, 1-based): chr19:33,302,021, C>G on the plus strand (G>C on the coding strand, the complement: CEBPA is on the minus strand). VCF-style: chr19-33302021-C-G. GRCh37 (hg19) VCF-style: chr19-33792927-C-G.
Other names: c.37G>C, p.Gly13Arg (NM_001285829.2); c.499G>C, p.Gly167Arg (NM_001287424.2); c.352G>C, p.Gly118Arg (NM_001287435.2); c.394G>C (NM_004364.3); short protein forms G118R, G132R, G13R, G167R.
Identifiers: ClinVar variation 1460649 (VCV001460649.10), dbSNP rs1038352346, ClinGen allele CA405275046.

ClinVar aggregate classification (germline): Uncertain significance. Review status: criteria provided, multiple submitters, no conflicts (2 of 4 stars). 3 submissions from 3 submitters: Uncertain significance (3). Last evaluated 2026-01-16.

Conditions:
Acute myeloid leukemia (AML). Also called: Leukemia, acute myeloid, somatic; Leukemia, acute myelogenous, somatic; Acute myeloid leukemia, adult; AML adult; Acute non-lymphocytic leukemia; Acute granulocytic leukemia. Identifiers: Orphanet 519, MedGen C0023467, MeSH D015470, MONDO:0018874, OMIM 601626, HP:0004808. Disease mechanism: Constitutively activated FLT3.
Inborn genetic diseases. Identifiers: MedGen C0950123, MeSH D030342.

Submissions (3):

Ambry Genetics
Classification: Uncertain significance for Inborn genetic diseases. Last evaluated: 2026-01-16. Review status: criteria provided, single submitter. Criteria: Ambry Variant Classification Scheme 2023. Collection method: clinical testing. Allele origin: germline.
Comment: The p.G132R variant (also known as c.394G>C), located in coding exon 1 of the CEBPA gene, results from a G to C substitution at nucleotide position 394. The glycine at codon 132 is replaced by arginine, an amino acid with dissimilar properties. This amino acid position is conserved. In addition, this alteration is predicted to be tolerated by in silico analysis. Based on the available evidence, the clinical significance of this variant remains unclear.

Baylor Genetics
Classification: Uncertain significance for Acute myeloid leukemia. Last evaluated: 2024-03-05. Review status: criteria provided, single submitter. Criteria: ACMG Guidelines, 2015. Collection method: clinical testing. Allele origin: unknown.

Labcorp Genetics (formerly Invitae), Labcorp
Classification: Uncertain significance for Acute myeloid leukemia. Last evaluated: 2021-02-15. Review status: criteria provided, single submitter. Criteria: Invitae Variant Classification Sherloc (09022015). Collection method: clinical testing. Allele origin: germline.
Comment: In summary, the available evidence is currently insufficient to determine the role of this variant in disease. Therefore, it has been classified as a Variant of Uncertain Significance. Algorithms developed to predict the effect of missense changes on protein structure and function are either unavailable or do not agree on the potential impact of this missense change (SIFT: "Deleterious"; PolyPhen-2: "Probably Damaging"; Align-GVGD: "Class C0"). This variant has not been reported in the literature in individuals with CEBPA-related conditions. The frequency data for this variant in the population databases is considered unreliable, as metrics indicate insufficient coverage at this position in the ExAC database. This sequence change replaces glycine with arginine at codon 132 of the CEBPA protein (p.Gly132Arg). The glycine residue is moderately conserved and there is a moderate physicochemical difference between glycine and arginine.